The following is an entry in ClinVar:

NM_080680.3(COL11A2):c.5156G>T (p.Gly1719Val)

Gene: COL11A2 (collagen type XI alpha 2 chain; minus strand). Cytogenetic location: 6p21.32.
Variant type: single nucleotide variant.
Coding change: c.5156G>T on transcript NM_080680.3 (MANE Select); coding-DNA position 5156, G replaced by T.
Protein change: p.Gly1719Val; replaces glycine 1719 with valine.
Molecular consequence: missense variant.
Genome position (GRCh38, 1-based): chr6:33,163,733, C>A on the plus strand (G>T on the coding strand, the complement: COL11A2 is on the minus strand). VCF-style: chr6-33163733-C-A. GRCh37 (hg19) VCF-style: chr6-33131510-C-A.
Other names: c.4310G>T, p.Gly1437Val (NM_001424109.1); c.4130G>T, p.Gly1377Val (NM_001424110.1, NM_001424111.1); c.3110G>T, p.Gly1037Val (NM_001424112.1); c.4835G>T, p.Gly1612Val (NM_080679.3); c.4898G>T, p.Gly1633Val (NM_080681.3); c.4976G>T, p.Gly1659Val (NM_001424108.1); short protein forms G1377V, G1659V, G1612V, G1037V, G1437V, G1633V, G1719V.
Identifiers: ClinVar variation 3653788 (VCV003653788.2).

ClinVar aggregate classification (germline): Uncertain significance (1 of 4 stars; one submission).

Submission:

Labcorp Genetics (formerly Invitae), Labcorp
Classification: Uncertain significance. Last evaluated: 2024-05-18. Review status: criteria provided, single submitter. Criteria: Invitae Variant Classification Sherloc (09022015). Collection method: clinical testing. Allele origin: germline.
Comment: This sequence change replaces glycine, which is neutral and non-polar, with valine, which is neutral and non-polar, at codon 1719 of the COL11A2 protein (p.Gly1719Val). This variant is not present in population databases (gnomAD no frequency). This variant has not been reported in the literature in individuals affected with COL11A2-related conditions. Advanced modeling of protein sequence and biophysical properties (such as structural, functional, and spatial information, amino acid conservation, physicochemical variation, residue mobility, and thermodynamic stability) performed at Invitae indicates that this missense variant is not expected to disrupt COL11A2 protein function with a negative predictive value of 80%. Algorithms developed to predict the effect of sequence changes on RNA splicing suggest that this variant may create or strengthen a splice site. In summary, the available evidence is currently insufficient to determine the role of this variant in disease. Therefore, it has been classified as a Variant of Uncertain Significance.